The following is an entry in ClinVar:

NM_004360.5(CDH1):c.1520C>A (p.Ser507Tyr)

Gene: CDH1 (cadherin 1; plus strand). Cytogenetic location: 16q22.1.
Variant type: single nucleotide variant.
Coding change: c.1520C>A on transcript NM_004360.5 (MANE Select); coding-DNA position 1520, C replaced by A.
Protein change: p.Ser507Tyr; replaces serine 507 with tyrosine.
Molecular consequence: missense variant. On other transcripts: 5 prime UTR variant (2).
Genome position (GRCh38, 1-based): chr16:68,815,714, C>A. VCF-style: chr16-68815714-C-A. GRCh37 (hg19) VCF-style: chr16-68849617-C-A.
Other names: c.-300C>A (NM_001317186.2); c.1337C>A, p.Ser446Tyr (NM_001317184.2); c.-29C>A (NM_001317185.2); short protein forms S446Y, S507Y.
Identifiers: ClinVar variation 5033876 (VCV005033876.1).
Genomic context (GRCh38, chr16:68,815,714, plus strand): 5'-TGCCTCCTGAAAAGAGAGTGGAAGTGTCCGAGGACTTTGGCGTGGGCCAGGAAATCACAT[C>A]CTACACTGCCCAGGAGCCAGACACATTTATGGAACAGAAAATAACGTAAGTGTGAGGATT-3'
Protein context (NP_004351.1, residues 497-517): EDFGVGQEIT[Ser507Tyr]YTAQEPDTFM

ClinVar aggregate classification (germline): Uncertain significance (1 of 4 stars; one submission).

Conditions:
Hereditary cancer-predisposing syndrome. Also called: Neoplastic Syndromes, Hereditary; Tumor predisposition; Hereditary neoplastic syndrome; Hereditary Cancer Syndrome. Identifiers: Orphanet 140162, MedGen C0027672, MeSH D009386, MONDO:0015356.

Submission:

Ambry Genetics
Classification: Uncertain significance for Hereditary cancer-predisposing syndrome. Last evaluated: 2026-07-06. Review status: criteria provided, single submitter. Criteria: Ambry Variant Classification Scheme 2023. Collection method: clinical testing. Allele origin: germline.
Comment: The p.S507Y variant (also known as c.1520C>A), located in coding exon 10 of the CDH1 gene, results from a C to A substitution at nucleotide position 1520. The serine at codon 507 is replaced by tyrosine, an amino acid with dissimilar properties. This amino acid position is not well conserved in available vertebrate species. In addition, this alteration is predicted to be tolerated by in silico analysis. Based on the available evidence, the clinical significance of this variant remains unclear.